The following is an entry in ClinVar:

ClinVar aggregate classification (germline): Uncertain significance (1 of 4 stars; one submission).

Conditions:
Ataxia-telangiectasia syndrome (AT). Also called: LOUIS-BAR SYNDROME; AT, COMPLEMENTATION GROUP C; ATAXIA-TELANGIECTASIA, COMPLEMENTATION GROUP A; ATAXIA-TELANGIECTASIA, FRESNO VARIANT; Ataxia-telangiectasia; Cerebello-oculocutaneous telangiectasia. Identifiers: Orphanet 100, MedGen C0004135, MONDO:0008840, OMIM 208900.

Submission:

Labcorp Genetics (formerly Invitae), Labcorp
Classification: Uncertain significance for Ataxia-telangiectasia syndrome. Last evaluated: 2023-09-20. Review status: criteria provided, single submitter. Criteria: Invitae Variant Classification Sherloc (09022015). Collection method: clinical testing. Allele origin: germline.
Comment: This sequence change replaces serine, which is neutral and polar, with glycine, which is neutral and non-polar, at codon 549 of the ATM protein (p.Ser549Gly). This variant is not present in population databases (gnomAD no frequency). This variant has not been reported in the literature in individuals affected with ATM-related conditions. An algorithm developed to predict the effect of missense changes on protein structure and function (PolyPhen-2) suggests that this variant is likely to be tolerated. Algorithms developed to predict the effect of sequence changes on RNA splicing suggest that this variant may create or strengthen a splice site. In summary, the available evidence is currently insufficient to determine the role of this variant in disease. Therefore, it has been classified as a Variant of Uncertain Significance.

NM_000051.4(ATM):c.1645A>G (p.Ser549Gly)

Gene: ATM (ATM serine/threonine kinase; plus strand). Cytogenetic location: 11q22.3.
Variant type: single nucleotide variant.
Coding change: c.1645A>G on transcript NM_000051.4 (MANE Select); coding-DNA position 1645, A replaced by G.
Protein change: p.Ser549Gly; replaces serine 549 with glycine.
Molecular consequence: missense variant.
Genome position (GRCh38, 1-based): chr11:108,251,874, A>G. VCF-style: chr11-108251874-A-G. GRCh37 (hg19) VCF-style: chr11-108122601-A-G.
Other names: c.1645A>G, p.Ser549Gly (NM_001351834.2); short protein forms S549G.
Identifiers: ClinVar variation 2762068 (VCV002762068.3), dbSNP rs2135339772, ClinGen allele CA382534538.